The following is an entry in ClinVar:

NM_001267550.2(TTN):c.102130A>G (p.Ile34044Val)

Genes: TTN-AS1 (TTN antisense RNA 1; plus strand), TTN (titin; minus strand). Cytogenetic location: 2q31.2.
Variant type: single nucleotide variant.
Coding change: c.102130A>G on transcript NM_001267550.2 (MANE Select); coding-DNA position 102130, A replaced by G.
Protein change: p.Ile34044Val; replaces isoleucine 34044 with valine.
Molecular consequence: missense variant.
Genome position (GRCh38, 1-based): chr2:178,534,485, T>C on the plus strand (A>G on the coding strand, the complement: TTN is on the minus strand). VCF-style: chr2-178534485-T-C. GRCh37 (hg19) VCF-style: chr2-179399212-T-C.
Other names: c.97207A>G, p.Ile32403Val (NM_001256850.1); c.74935A>G, p.Ile24979Val (NM_003319.4); c.94426A>G, p.Ile31476Val (NM_133378.4); c.75310A>G, p.Ile25104Val (NM_133432.3); c.75511A>G, p.Ile25171Val (NM_133437.4); short protein forms I25171V, I31476V, I25104V, I24979V, I32403V, I34044V.
Identifiers: ClinVar variation 2125189 (VCV002125189.4), dbSNP rs1690568887, ClinGen allele CA349418293.

ClinVar aggregate classification (germline): Uncertain significance (1 of 4 stars; one submission).

Conditions:
Dilated cardiomyopathy 1G (CMD1G). Identifiers: Orphanet 154, MedGen C1858763, MONDO:0011400, OMIM 604145.
Autosomal recessive limb-girdle muscular dystrophy type 2J (LGMDR10). Also called: Limb-girdle muscular dystrophy, type 2J; MUSCULAR DYSTROPHY, LIMB-GIRDLE, AUTOSOMAL RECESSIVE 10. Identifiers: Orphanet 140922, MedGen C1837342, MONDO:0012127, OMIM 608807.

Allele frequency attached by ClinVar (database versions not stated): TOPMed below 0.00001; gnomAD 0.00001.
gnomAD v4.1: 7 of 1,613,664 alleles (0.00043%); highest among the groups gnomAD compares: Non-Finnish European, 0.00059%; no homozygotes.

Submission:

Labcorp Genetics (formerly Invitae), Labcorp
Classification: Uncertain significance for Dilated cardiomyopathy 1G; Autosomal recessive limb-girdle muscular dystrophy type 2J. Last evaluated: 2023-04-26. Review status: criteria provided, single submitter. Criteria: Invitae Variant Classification Sherloc (09022015). Collection method: clinical testing. Allele origin: germline.
Comment: In summary, the available evidence is currently insufficient to determine the role of this variant in disease. Therefore, it has been classified as a Variant of Uncertain Significance. This variant is located in the M band of TTN (PMID: 25589632). Variants in this region may be relevant for neuromuscular disorders, but have not been definitively shown to cause cardiomyopathy (PMID: 23975875). Experimental studies and prediction algorithms are not available or were not evaluated, and the functional significance of this variant is currently unknown. ClinVar contains an entry for this variant (Variation ID: 2125189). This variant has not been reported in the literature in individuals affected with TTN-related conditions. This variant is not present in population databases (gnomAD no frequency). This sequence change replaces isoleucine, which is neutral and non-polar, with valine, which is neutral and non-polar, at codon 34044 of the TTN protein (p.Ile34044Val).

Literature cited by the submitters: PubMed 25589632; PubMed 23975875.